The following is an entry in ClinVar:

ClinVar aggregate classification (germline): Benign (1 of 4 stars; one submission).

Conditions:
Papillary renal cell carcinoma type 1 (RCCP1). Also called: RENAL CELL CARCINOMA, PAPILLARY, 1, SOMATIC; Renal adenocarcinoma; Renal cell carcinoma 1; Renal cell carcinoma, somatic. Identifiers: Orphanet 47044, MedGen C1336839, OMIM 605074, HP:0011797.

Submission:

Myriad Genetics, Inc.
Classification: Benign for Papillary renal cell carcinoma type 1. Last evaluated: 2024-11-06. Review status: criteria provided, single submitter. Criteria: Myriad Autosomal Dominant, Autosomal Recessive and X-Linked Classification Criteria (2023). Collection method: clinical testing. Allele origin: unknown.
Comment: This variant is considered benign. This variant is a silent/synonymous amino acid change and it is not expected to impact splicing.

NM_000245.4(MET):c.867T>C (p.His289=)

Gene: MET (MET proto-oncogene, receptor tyrosine kinase; plus strand). Cytogenetic location: 7q31.2.
Variant type: single nucleotide variant.
Coding change: c.867T>C on transcript NM_000245.4 (MANE Select); coding-DNA position 867, T replaced by C.
Protein change: p.His289=; no amino-acid change (histidine 289 retained).
Molecular consequence: synonymous variant. On other transcripts: intron variant (1).
Genome position (GRCh38, 1-based): chr7:116,699,951, T>C. VCF-style: chr7-116699951-T-C. GRCh37 (hg19) VCF-style: chr7-116340005-T-C.
Other names: c.867T>C, p.His289= (NM_001127500.3, NM_001324401.3); c.-91+27374T>C (NM_001324402.2).
Identifiers: ClinVar variation 3773472 (VCV003773472.1).